The following is an entry in ClinVar:

NM_003954.5(MAP3K14):c.1000G>A (p.Glu334Lys)

Gene: MAP3K14 (mitogen-activated protein kinase kinase kinase 14; minus strand). Cytogenetic location: 17q21.31.
Variant type: single nucleotide variant.
Coding change: c.1000G>A on transcript NM_003954.5 (MANE Select); coding-DNA position 1000, G replaced by A.
Protein change: p.Glu334Lys; replaces glutamic acid 334 with lysine.
Molecular consequence: missense variant.
Genome position (GRCh38, 1-based): chr17:45,286,583, C>T on the plus strand (G>A on the coding strand, the complement: MAP3K14 is on the minus strand). VCF-style: chr17-45286583-C-T. GRCh37 (hg19) VCF-style: chr17-43363950-C-T.
Other names: short protein forms E334K.
Identifiers: ClinVar variation 1981968 (VCV001981968.1), dbSNP rs1424469639, ClinGen allele CA399887788.

ClinVar aggregate classification (germline): Uncertain significance (1 of 4 stars; one submission).

Conditions:
NIK deficiency. Also called: Primary immunodeficiency with multifaceted aberrant lymphoid immunity. Identifiers: Orphanet 447731, MedGen C5680065, MONDO:0018642.

Allele frequency attached by ClinVar (database versions not stated): gnomAD 0.00001; TOPMed 0.00001.

Submission:

Labcorp Genetics (formerly Invitae), Labcorp
Classification: Uncertain significance for NIK deficiency. Last evaluated: 2022-08-09. Review status: criteria provided, single submitter. Criteria: Invitae Variant Classification Sherloc (09022015). Collection method: clinical testing. Allele origin: germline.
Comment: This sequence change replaces glutamic acid, which is acidic and polar, with lysine, which is basic and polar, at codon 334 of the MAP3K14 protein (p.Glu334Lys). The frequency data for this variant in the population databases is considered unreliable, as metrics indicate poor data quality at this position in the gnomAD database. This variant has not been reported in the literature in individuals affected with MAP3K14-related conditions. Experimental studies and prediction algorithms are not available or were not evaluated, and the functional significance of this variant is currently unknown. In summary, the available evidence is currently insufficient to determine the role of this variant in disease. Therefore, it has been classified as a Variant of Uncertain Significance.